The following is an entry in ClinVar:

NM_000742.4(CHRNA2):c.1393C>G (p.His465Asp)

Gene: CHRNA2 (cholinergic receptor nicotinic alpha 2 subunit; minus strand). Cytogenetic location: 8p21.2.
Variant type: single nucleotide variant.
Coding change: c.1393C>G on transcript NM_000742.4 (MANE Select); coding-DNA position 1393, C replaced by G.
Protein change: p.His465Asp; replaces histidine 465 with aspartic acid.
Molecular consequence: missense variant.
Genome position (GRCh38, 1-based): chr8:27,463,050, G>C on the plus strand (C>G on the coding strand, the complement: CHRNA2 is on the minus strand). VCF-style: chr8-27463050-G-C. GRCh37 (hg19) VCF-style: chr8-27320567-G-C.
Other names: c.1348C>G, p.His450Asp (NM_001282455.2); c.916C>G, p.His306Asp (NM_001347705.2, NM_001347706.2); c.799C>G, p.His267Asp (NM_001347707.2, NM_001347708.2); short protein forms H267D, H465D, H450D, H306D.
Identifiers: ClinVar variation 1505691 (VCV001505691.8), dbSNP rs772765800, ClinGen allele CA4689467.

ClinVar aggregate classification (germline): Uncertain significance (1 of 4 stars; one submission).

Conditions:
Familial sleep-related hypermotor epilepsy. Also called: Autosomal Dominant Sleep-Related Hypermotor (Hyperkinetic) Epilepsy. Identifiers: Orphanet 98784, MedGen C3696898, MONDO:0000030.

Allele frequency attached by ClinVar (database versions not stated): ExAC 0.00001; gnomAD exomes below 0.00001.

Submission:

Labcorp Genetics (formerly Invitae), Labcorp
Classification: Uncertain significance. Last evaluated: 2025-09-05. Review status: criteria provided, single submitter. Criteria: Invitae Variant Classification Sherloc (09022015). Collection method: clinical testing. Allele origin: germline.
Comment: This sequence change replaces histidine, which is basic and polar, with aspartic acid, which is acidic and polar, at codon 465 of the CHRNA2 protein (p.His465Asp). This variant is present in population databases (rs772765800, gnomAD 0.0009%). This variant has not been reported in the literature in individuals affected with CHRNA2-related conditions. ClinVar contains an entry for this variant (Variation ID: 1505691). Invitae Evidence Modeling of protein sequence and biophysical properties (such as structural, functional, and spatial information, amino acid conservation, physicochemical variation, residue mobility, and thermodynamic stability) indicates that this missense variant is not expected to disrupt CHRNA2 protein function with a negative predictive value of 80%. In summary, the available evidence is currently insufficient to determine the role of this variant in disease. Therefore, it has been classified as a Variant of Uncertain Significance.